The following is an entry in ClinVar:

ClinVar aggregate classification (germline): Conflicting classifications of pathogenicity. Review status: criteria provided, conflicting classifications (1 of 4 stars). 10 submissions from 10 submitters: Uncertain significance (2); Benign (2); Likely benign (5). 1 of the submissions does not count toward it. Last evaluated 2026-08-01.

Conditions:
Norman-Roberts syndrome (LIS2). Also called: Lissencephaly 2 (Norman-Roberts type). Identifiers: Orphanet 89844, MedGen C0796089, MONDO:0009760, OMIM 257320.
Familial temporal lobe epilepsy 7. Identifiers: Orphanet 101046, MedGen C4225327, MONDO:0014639, OMIM 616436.
Intellectual disability. Also called: Intellectual functioning disability; Intellectual developmental disorder; intellectual disabilities. Identifiers: MedGen C3714756, MeSH D008607, MONDO:0001071, HP:0001249.

Allele frequency attached by ClinVar (database versions not stated): 1000 Genomes Project 30x 0.00125; ESP Exome Variant Server 0.00223; gnomAD 0.00232 and 0.00231; ExAC 0.00241; gnomAD exomes 0.00309 and 0.00257; 1000 Genomes Project 0.00140; TOPMed 0.00196.
gnomAD v4.1: 4,885 of 1,614,086 alleles (0.3%); highest among the groups gnomAD compares: Non-Finnish European, 0.33%; 7 homozygotes.

Submissions (10):

CeGaT Center for Human Genetics Tuebingen
Classification: Likely benign. Last evaluated: 2026-08-01. Review status: criteria provided, single submitter. Criteria: CeGaT Center For Human Genetics Tuebingen Variant Classification Criteria Version 2. Collection method: clinical testing. Allele origin: germline. Affected: yes. Observed: 38 variant alleles.
Comment: RELN: BS2

Labcorp Genetics (formerly Invitae), Labcorp
Classification: Benign for Familial temporal lobe epilepsy 7; Norman-Roberts syndrome. Last evaluated: 2026-01-28. Review status: criteria provided, single submitter. Criteria: Invitae Variant Classification Sherloc (09022015). Collection method: clinical testing. Allele origin: germline.

ARUP Laboratories, Molecular Genetics and Genomics, ARUP Laboratories
Classification: Likely benign. Last evaluated: 2025-04-25. Review status: criteria provided, single submitter. Criteria: ARUP Molecular Germline Variant Investigation Process 2024. Collection method: clinical testing. Allele origin: germline.

Athena Diagnostics
Classification: Benign. Last evaluated: 2024-12-31. Review status: criteria provided, single submitter. Criteria: Athena Diagnostics Criteria. Collection method: clinical testing. Allele origin: unknown.
Comment: The frequency of this variant in the general population is higher than would generally be expected for pathogenic variants in this gene.

Blueprint Genetics
Classification: Likely benign. Last evaluated: 2024-11-26. Review status: criteria provided, single submitter. Criteria: ACMG Guidelines, 2015. Collection method: clinical testing. Allele origin: germline.

Institute for Clinical Genetics, University Hospital TU Dresden, University Hospital TU Dresden
Classification: Uncertain significance. Last evaluated: 2021-11-03. Review status: criteria provided, single submitter. Criteria: ACMG Guidelines, 2015. Collection method: clinical testing. Allele origin: germline.

GeneDx
Classification: Likely benign. Last evaluated: 2021-06-08. Review status: criteria provided, single submitter. Criteria: GeneDx Variant Classification Process June 2021. Collection method: clinical testing. Allele origin: germline. Affected: yes.
Comment: This variant is associated with the following publications: (PMID: 24828792, 14515139, 30949922)

Illumina Laboratory Services, Illumina
Classification: Uncertain significance for Norman-Roberts syndrome. Last evaluated: 2017-04-27. Review status: criteria provided, single submitter. Criteria: ICSL Variant Classification Criteria 13 December 2019. Collection method: clinical testing. Allele origin: germline.
Comment: This variant was observed as part of a predisposition screen in an ostensibly healthy population. A literature search was performed for the gene, cDNA change, and amino acid change (where applicable). Publications were found based on this search. However, the evidence from the literature, in combination with allele frequency data from public databases where available, was not sufficient to rule this variant in or out of causing disease. Therefore, this variant is classified as a variant of unknown significance.

Eurofins Ntd Llc (ga)
Classification: Likely benign. Last evaluated: 2015-08-28. Review status: criteria provided, single submitter. Criteria: EGL Classification Definitions 2015. Collection method: clinical testing. Allele origin: germline. Observed: 2 variant alleles, 2 heterozygotes.

Centre de Biologie Pathologie Génétique, Centre Hospitalier Universitaire de Lille
Classification: Likely benign for Intellectual disability. Last evaluated: 2019-01-01. Review status: no assertion criteria provided. Collection method: clinical testing. Allele origin: inherited. Affected: yes. Not counted in ClinVar's aggregate classification.

Literature cited by the submitters: PubMed 30949922 (cited by Athena Diagnostics); PubMed 14515139 (cited by Athena Diagnostics and Illumina Laboratory Services, Illumina); PubMed 24828792 (cited by Athena Diagnostics and Illumina Laboratory Services, Illumina).

NM_005045.4(RELN):c.7438G>A (p.Gly2480Ser)

Gene: RELN (reelin; minus strand). Cytogenetic location: 7q22.1.
Variant type: single nucleotide variant.
Coding change: c.7438G>A on transcript NM_005045.4 (MANE Select); coding-DNA position 7438, G replaced by A.
Protein change: p.Gly2480Ser; replaces glycine 2480 with serine.
Molecular consequence: missense variant.
Genome position (GRCh38, 1-based): chr7:103,523,443, C>T on the plus strand (G>A on the coding strand, the complement: RELN is on the minus strand). VCF-style: chr7-103523443-C-T. GRCh37 (hg19) VCF-style: chr7-103163890-C-T.
Other names: c.7438G>A, p.Gly2480Ser (NM_173054.3); short protein forms G2480S.
Identifiers: ClinVar variation 95229 (VCV000095229.70), dbSNP rs150236371, ClinGen allele CA222826.